The following is an entry in ClinVar:

NM_001851.6(COL9A1):c.674A>T (p.Asp225Val)

Gene: COL9A1 (collagen type IX alpha 1 chain; minus strand). Cytogenetic location: 6q13.
Variant type: single nucleotide variant.
Coding change: c.674A>T on transcript NM_001851.6 (MANE Select); coding-DNA position 674, A replaced by T.
Protein change: p.Asp225Val; replaces aspartic acid 225 with valine.
Molecular consequence: missense variant.
Genome position (GRCh38, 1-based): chr6:70,294,189, T>A on the plus strand (A>T on the coding strand, the complement: COL9A1 is on the minus strand). VCF-style: chr6-70294189-T-A. GRCh37 (hg19) VCF-style: chr6-71003892-T-A.
Other names: c.674A>T, p.Asp225Val (NM_001377291.1); short protein forms D225V.
Identifiers: ClinVar variation 1166536 (VCV001166536.16), dbSNP rs186444567, ClinGen allele CA3882756.

ClinVar aggregate classification (germline): Benign/Likely benign. Review status: criteria provided, multiple submitters, no conflicts (2 of 4 stars). 4 submissions from 4 submitters: Benign (1); Likely benign (2). 1 of the submissions does not count toward it. Last evaluated 2026-01-05.

Conditions:
COL9A1-related disorder. Also called: COL9A1-related condition; COL9A1-related disorders.
Connective tissue disorder. Also called: Connective tissue disease. Identifiers: MedGen C0009782, MONDO:0003900.

Allele frequency attached by ClinVar (database versions not stated): gnomAD 0.00009 and 0.00011; gnomAD exomes 0.00010; 1000 Genomes Project 30x 0.00031; 1000 Genomes Project 0.00040.
gnomAD v4.1: 162 of 1,614,060 alleles (0.01%); highest among the groups gnomAD compares: East Asian, 0.34%; 2 homozygotes.

Submissions (4):

Labcorp Genetics (formerly Invitae), Labcorp
Classification: Benign. Last evaluated: 2026-01-05. Review status: criteria provided, single submitter. Criteria: Invitae Variant Classification Sherloc (09022015). Collection method: clinical testing. Allele origin: germline.

Genome Diagnostics Laboratory, The Hospital for Sick Children
Classification: Likely benign for Connective tissue disorder. Last evaluated: 2021-12-22. Review status: criteria provided, single submitter. Criteria: ACMG Guidelines, 2015. Collection method: clinical testing. Allele origin: germline.

GeneDx
Classification: Likely benign. Last evaluated: 2020-09-02. Review status: criteria provided, single submitter. Criteria: GeneDx Variant Classification Process June 2021. Collection method: clinical testing. Allele origin: germline. Affected: yes.
Comment: Has not been previously published as pathogenic or benign to our knowledge

PreventionGenetics, part of Exact Sciences
Classification: Likely benign for COL9A1-related condition. Last evaluated: 2020-02-17. Review status: no assertion criteria provided. Collection method: clinical testing. Allele origin: germline. Not counted in ClinVar's aggregate classification.
Comment: This variant is classified as likely benign based on ACMG/AMP sequence variant interpretation guidelines (Richards et al. 2015 PMID: 25741868, with internal and published modifications).